The following is an entry in ClinVar:

NM_000384.3(APOB):c.10562T>C (p.Leu3521Ser)

Gene: APOB (apolipoprotein B; minus strand). Cytogenetic location: 2p24.1.
Variant type: single nucleotide variant.
Coding change: c.10562T>C on transcript NM_000384.3 (MANE Select); coding-DNA position 10562, T replaced by C.
Protein change: p.Leu3521Ser; replaces leucine 3521 with serine.
Molecular consequence: missense variant.
Genome position (GRCh38, 1-based): chr2:21,006,306, A>G on the plus strand (T>C on the coding strand, the complement: APOB is on the minus strand). VCF-style: chr2-21006306-A-G. GRCh37 (hg19) VCF-style: chr2-21229178-A-G.
Other names: c.10562T>C (NM_000384.2); short protein forms L3521S.
Identifiers: ClinVar variation 2928536 (VCV002928536.4), dbSNP rs2465359275, ClinGen allele CA345986175.

ClinVar aggregate classification (germline): Uncertain significance. Review status: criteria provided, multiple submitters, no conflicts (2 of 4 stars). 2 submissions from 2 submitters: Uncertain significance (2). Last evaluated 2023-10-19.

Conditions:
Cardiovascular phenotype. Identifiers: MedGen CN230736.
Hypercholesterolemia, autosomal dominant, type B (FHCL2). Also called: APOB-Related Familial Hypercholesterolemia, Autosomal Dominant; Familial Hypercholesterolemia Type B; APOLIPOPROTEIN B-100, FAMILIAL DEFECTIVE; APOLIPOPROTEIN B-100, FAMILIAL LIGAND-DEFECTIVE; HYPERCHOLESTEROLEMIA, FAMILIAL, DUE TO LIGAND-DEFECTIVE APOLIPOPROTEIN B; Hyperlipoproteinemia Type IIb. Identifiers: MedGen C1704417, MONDO:0007751, OMIM 144010.
Familial hypobetalipoproteinemia 1. Also called: Hypobetalipoproteinemia, normotriglyceridemic; Acanthocytosis with hypobetalipoproteinemia; APOB-Related Familial Hypobetalipoproteinemia. Identifiers: MedGen C4551990, MONDO:0014252, OMIM 615558.

Submissions (2):

Ambry Genetics
Classification: Uncertain significance for Cardiovascular phenotype. Last evaluated: 2023-10-19. Review status: criteria provided, single submitter. Criteria: Ambry Variant Classification Scheme 2023. Collection method: clinical testing. Allele origin: germline.
Comment: The p.L3521S variant (also known as c.10562T>C), located in coding exon 26 of the APOB gene, results from a T to C substitution at nucleotide position 10562. The leucine at codon 3521 is replaced by serine, an amino acid with dissimilar properties. This amino acid position is conserved. In addition, the in silico prediction for this alteration is inconclusive. Since supporting evidence is limited at this time, the clinical significance of this alteration remains unclear.

Labcorp Genetics (formerly Invitae), Labcorp
Classification: Uncertain significance for Familial hypobetalipoproteinemia 1; Hypercholesterolemia, autosomal dominant, type B. Last evaluated: 2023-06-29. Review status: criteria provided, single submitter. Criteria: Invitae Variant Classification Sherloc (09022015). Collection method: clinical testing. Allele origin: germline.
Comment: In summary, the available evidence is currently insufficient to determine the role of this variant in disease. Therefore, it has been classified as a Variant of Uncertain Significance. Advanced modeling of protein sequence and biophysical properties (such as structural, functional, and spatial information, amino acid conservation, physicochemical variation, residue mobility, and thermodynamic stability) has been performed at Invitae for this missense variant, however the output from this modeling did not meet the statistical confidence thresholds required to predict the impact of this variant on APOB protein function. This variant has not been reported in the literature in individuals affected with APOB-related conditions. This variant is not present in population databases (gnomAD no frequency). This sequence change replaces leucine, which is neutral and non-polar, with serine, which is neutral and polar, at codon 3521 of the APOB protein (p.Leu3521Ser).